The following is an entry in ClinVar:

NM_000540.3(RYR1):c.11762A>T (p.Tyr3921Phe)

Gene: RYR1 (ryanodine receptor 1; plus strand). Cytogenetic location: 19q13.2.
Variant type: single nucleotide variant.
Coding change: c.11762A>T on transcript NM_000540.3 (MANE Select); coding-DNA position 11762, A replaced by T.
Protein change: p.Tyr3921Phe; replaces tyrosine 3921 with phenylalanine.
Molecular consequence: missense variant.
Genome position (GRCh38, 1-based): chr19:38,543,419, A>T. VCF-style: chr19-38543419-A-T. GRCh37 (hg19) VCF-style: chr19-39034059-A-T.
Other names: c.11747A>T, p.Tyr3916Phe (NM_001042723.2); short protein forms Y3916F, Y3921F.
Identifiers: ClinVar variation 3385566 (VCV003385566.1).

ClinVar aggregate classification (germline): Uncertain significance (1 of 4 stars; one submission).

Conditions:
Malignant hyperthermia, susceptibility to, 1 (MHS1). Also called: Anesthesia related hyperthermia; Malignant hyperpyrexia; Fulminating hyperpyrexia; Pharmacogenic myopathy; Malignant hyperthermia suceptibility 1; RYR1-Related Malignant Hyperthermia Susceptibility. Identifiers: Orphanet 423, MedGen C2930980, MONDO:0007783, OMIM 145600.

Submission:

All of Us Research Program, National Institutes of Health
Classification: Uncertain significance for Malignant hyperthermia, susceptibility to, 1. Last evaluated: 2024-05-14. Review status: criteria provided, single submitter. Criteria: ACMG Guidelines, 2015. Collection method: clinical testing. Allele origin: germline. Inheritance: Autosomal dominant inheritance. Observed: 1 variant allele, 1 heterozygote.
Comment: This missense variant replaces tyrosine with phenylalanine at codon 3921 of the RYR1 protein. Computational prediction suggests that this variant may not impact protein structure and function (internally defined REVEL score threshold <= 0.5, PMID: 27666373). To our knowledge, functional studies have not been reported for this variant. This variant has not been reported in individuals affected with RYR1-related disorders in the literature. This variant has not been identified in the general population by the Genome Aggregation Database (gnomAD). The available evidence is insufficient to determine the role of this variant in disease conclusively. Therefore, this variant is classified as a Variant of Uncertain Significance.

This study involves interpretation of variants in research participants for the purpose of population health screening. Participant phenotype was not available at the time of variant classification. Additional details can be found in publication PMID: 35346344, PMCID: PMC8962531